The following is an entry in ClinVar:

ClinVar aggregate classification (germline): Uncertain significance (1 of 4 stars; one submission).

Conditions:
Facioscapulohumeral muscular dystrophy 2 (FSHD2). Also called: MUSCULAR DYSTROPHY, FACIOSCAPULOHUMERAL, TYPE 1B; FACIOSCAPULOHUMERAL MUSCULAR DYSTROPHY 2, DIGENIC; FSHD2, DIGENIC. Identifiers: Orphanet 269, MedGen C1834671, MONDO:0008031, OMIM 158901.

Submission:

Labcorp Genetics (formerly Invitae), Labcorp
Classification: Uncertain significance for Facioscapulohumeral muscular dystrophy 2. Last evaluated: 2025-09-09. Review status: criteria provided, single submitter. Criteria: Invitae Variant Classification Sherloc (09022015). Collection method: clinical testing. Allele origin: germline.
Comment: This sequence change replaces aspartic acid, which is acidic and polar, with tyrosine, which is neutral and polar, at codon 1526 of the SMCHD1 protein (p.Asp1526Tyr). This variant is not present in population databases (gnomAD no frequency). This variant has not been reported in the literature in individuals affected with SMCHD1-related conditions. Invitae Evidence Modeling of protein sequence and biophysical properties (such as structural, functional, and spatial information, amino acid conservation, physicochemical variation, residue mobility, and thermodynamic stability) indicates that this missense variant is not expected to disrupt SMCHD1 protein function with a negative predictive value of 80%. In summary, the available evidence is currently insufficient to determine the role of this variant in disease. Therefore, it has been classified as a Variant of Uncertain Significance.

NM_015295.3(SMCHD1):c.4576G>T (p.Asp1526Tyr)

Gene: SMCHD1 (structural maintenance of chromosomes flexible hinge domain containing 1; plus strand). Cytogenetic location: 18p11.32.
Variant type: single nucleotide variant.
Coding change: c.4576G>T on transcript NM_015295.3 (MANE Select); coding-DNA position 4576, G replaced by T.
Protein change: p.Asp1526Tyr; replaces aspartic acid 1526 with tyrosine.
Molecular consequence: missense variant.
Genome position (GRCh38, 1-based): chr18:2,763,646, G>T. VCF-style: chr18-2763646-G-T. GRCh37 (hg19) VCF-style: chr18-2763644-G-T.
Other names: short protein forms D1526Y.
Identifiers: ClinVar variation 4752114 (VCV004752114.1).